The following is an entry in ClinVar:

ClinVar aggregate classification (germline): Conflicting classifications of pathogenicity. Review status: criteria provided, conflicting classifications (1 of 4 stars). 4 submissions from 4 submitters: Uncertain significance (1); Likely benign (3). Last evaluated 2025-10-30.

Conditions:
Familial thoracic aortic aneurysm and aortic dissection (TAAD). Also called: Thoracic aortic aneurysms and dissections. Identifiers: Orphanet 91387, MedGen C4707243, MONDO:0019625.
Aortic aneurysm, familial thoracic 4 (AAT4). Also called: AORTIC ANEURYSM/AORTIC DISSECTION AND PATENT DUCTUS ARTERIOSUS. Identifiers: MedGen C1851504, MONDO:0007568, OMIM 132900.

Allele frequency attached by ClinVar (database versions not stated): gnomAD 0.00001; gnomAD exomes 0.00001; TOPMed 0.00001; ExAC 0.00002.
gnomAD v4.1: 11 of 1,614,056 alleles (0.00068%); highest among the groups gnomAD compares: African/African-American, 0.0013%; no homozygotes.

Submissions (4):

Ambry Genetics
Classification: Uncertain significance for Familial thoracic aortic aneurysm and aortic dissection. Last evaluated: 2025-10-30. Review status: criteria provided, single submitter. Criteria: Ambry Variant Classification Scheme 2023. Collection method: clinical testing. Allele origin: germline.
Comment: The c.834G>A variant (also known as p.E278E), located in coding exon 7 of the MYH11 gene, results from a G to A substitution at nucleotide position 834. This nucleotide substitution does not change the amino acid at codon 278. This nucleotide position is well conserved in available vertebrate species. In silico splice site analysis for this alteration is inconclusive. Based on the available evidence, the clinical significance of this variant remains unclear.

Labcorp Genetics (formerly Invitae), Labcorp
Classification: Likely benign for Aortic aneurysm, familial thoracic 4. Last evaluated: 2024-12-24. Review status: criteria provided, single submitter. Criteria: Invitae Variant Classification Sherloc (09022015). Collection method: clinical testing. Allele origin: germline.

All of Us Research Program, National Institutes of Health
Classification: Likely benign for Familial thoracic aortic aneurysm and aortic dissection. Last evaluated: 2023-08-15. Review status: criteria provided, single submitter. Criteria: ACMG Guidelines, 2015. Collection method: clinical testing. Allele origin: germline. Inheritance: Autosomal dominant inheritance. Observed: 2 variant alleles, 2 heterozygotes.
Comment: This study involves interpretation of variants in research participants for the purpose of population health screening. Participant phenotype was not available at the time of variant classification. Additional details can be found in publication PMID: 35346344, PMCID: PMC8962531

Color Diagnostics, LLC DBA Color Health
Classification: Likely benign for Familial thoracic aortic aneurysm and aortic dissection. Last evaluated: 2020-03-03. Review status: criteria provided, single submitter. Criteria: ACMG Guidelines, 2015. Collection method: clinical testing. Allele origin: germline.

NM_002474.3(MYH11):c.834G>A (p.Glu278=)

Gene: MYH11 (myosin heavy chain 11; minus strand). Cytogenetic location: 16p13.11.
Variant type: single nucleotide variant.
Coding change: c.834G>A on transcript NM_002474.3 (MANE Select); coding-DNA position 834, G replaced by A.
Protein change: p.Glu278=; no amino-acid change (glutamic acid 278 retained).
Molecular consequence: synonymous variant.
Genome position (GRCh38, 1-based): chr16:15,776,133, C>T on the plus strand (G>A on the coding strand, the complement: MYH11 is on the minus strand). VCF-style: chr16-15776133-C-T. GRCh37 (hg19) VCF-style: chr16-15869990-C-T.
Other names: c.855G>A, p.Glu285= (NM_001040113.2, NM_001040114.2); c.834G>A, p.Glu278= (NM_022844.3); c.834G>A (NM_002474.2).
Identifiers: ClinVar variation 923053 (VCV000923053.6), dbSNP rs758728429, ClinGen allele CA7922802.